The following is an entry in ClinVar:

ClinVar aggregate classification (germline): Uncertain significance (1 of 4 stars; one submission).

Submission:

CeGaT Center for Human Genetics Tuebingen
Classification: Uncertain significance. Last evaluated: 2026-03-01. Review status: criteria provided, single submitter. Criteria: CeGaT Center For Human Genetics Tuebingen Variant Classification Criteria Version 2. Collection method: clinical testing. Allele origin: germline. Affected: yes. Observed: 1 variant allele.
Comment: PIK3R2: PM2, PP3

NM_005027.4(PIK3R2):c.1291-11del

Gene: PIK3R2 (phosphoinositide-3-kinase regulatory subunit 2; plus strand). Cytogenetic location: 19p13.11.
Variant type: Deletion.
Coding change: c.1291-11del on transcript NM_005027.4 (MANE Select); 11 bases into the intron before coding-DNA position 1291, one base deleted (C; older notation c.1291-11delC).
Molecular consequence: intron variant.
Genome position (GRCh38, 1-based): chr19:18,163,252, C deleted. VCF-style (leftmost placement, unchanged base first): chr19-18163251-AC-A. GRCh37 (hg19) VCF-style: chr19-18274061-AC-A.
Identifiers: ClinVar variation 4823660 (VCV004823660.4).